The following is an entry in ClinVar:

NM_021008.4(DEAF1):c.1525C>T (p.Arg509Trp)

Gene: DEAF1 (DEAF1 transcription factor; minus strand). Cytogenetic location: 11p15.5.
Variant type: single nucleotide variant.
Coding change: c.1525C>T on transcript NM_021008.4 (MANE Select); coding-DNA position 1525, C replaced by T.
Protein change: p.Arg509Trp; replaces arginine 509 with tryptophan.
Molecular consequence: missense variant.
Genome position (GRCh38, 1-based): chr11:654,030, G>A on the plus strand (C>T on the coding strand, the complement: DEAF1 is on the minus strand). VCF-style: chr11-654030-G-A. GRCh37 (hg19) VCF-style: chr11-654030-G-A.
Other names: c.1300C>T, p.Arg434Trp (NM_001293634.2); c.799C>T, p.Arg267Trp (NM_001367390.1); short protein forms R267W, R434W, R509W.
Identifiers: ClinVar variation 1395527 (VCV001395527.10), dbSNP rs368021470, ClinGen allele CA5786159.

ClinVar aggregate classification (germline): Uncertain significance. Review status: criteria provided, multiple submitters, no conflicts (2 of 4 stars). 3 submissions from 3 submitters: Uncertain significance (3). Last evaluated 2026-01-17.

Conditions:
Inborn genetic diseases. Identifiers: MedGen C0950123, MeSH D030342.

Allele frequency attached by ClinVar (database versions not stated): gnomAD 0.00001; ExAC 0.00002; gnomAD exomes 0.00002 and 0.00004; ESP Exome Variant Server 0.00008.
gnomAD v4.1: 37 of 1,613,578 alleles (0.0023%); highest among the groups gnomAD compares: Non-Finnish European, 0.0028%; no homozygotes.

Submissions (3):

Labcorp Genetics (formerly Invitae), Labcorp
Classification: Uncertain significance. Last evaluated: 2026-01-17. Review status: criteria provided, single submitter. Criteria: Invitae Variant Classification Sherloc (09022015). Collection method: clinical testing. Allele origin: germline.
Comment: This sequence change replaces arginine, which is basic and polar, with tryptophan, which is neutral and slightly polar, at codon 509 of the DEAF1 protein (p.Arg509Trp). This variant is present in population databases (rs368021470, gnomAD 0.008%). This variant has not been reported in the literature in individuals affected with DEAF1-related conditions. ClinVar contains an entry for this variant (Variation ID: 1395527). Invitae Evidence Modeling of protein sequence and biophysical properties (such as structural, functional, and spatial information, amino acid conservation, physicochemical variation, residue mobility, and thermodynamic stability) indicates that this missense variant is expected to disrupt DEAF1 protein function with a positive predictive value of 95%. In summary, the available evidence is currently insufficient to determine the role of this variant in disease. Therefore, it has been classified as a Variant of Uncertain Significance.

Blueprint Genetics
Classification: Uncertain significance. Last evaluated: 2024-04-29. Review status: criteria provided, single submitter. Criteria: ACMG Guidelines, 2015. Collection method: clinical testing. Allele origin: germline.

Ambry Genetics
Classification: Uncertain significance for Inborn genetic diseases. Last evaluated: 2024-03-15. Review status: criteria provided, single submitter. Criteria: Ambry Variant Classification Scheme 2023. Collection method: clinical testing. Allele origin: germline.